The following is an entry in ClinVar:

ClinVar aggregate classification (germline): Uncertain significance. Review status: criteria provided, multiple submitters, no conflicts (2 of 4 stars). 2 submissions from 2 submitters: Uncertain significance (2). Last evaluated 2026-06-10.

Conditions:
Inborn genetic diseases. Identifiers: MedGen C0950123, MeSH D030342.

Allele frequency attached by ClinVar (database versions not stated): gnomAD exomes below 0.00001; gnomAD 0.00001; ESP Exome Variant Server 0.00008; ExAC 0.00001; TOPMed below 0.00001.
gnomAD v4.1: 3 of 1,613,878 alleles (0.00019%); highest among the groups gnomAD compares: Middle Eastern, 0.016%; no homozygotes.

Submissions (2):

Ambry Genetics
Classification: Uncertain significance for Inborn genetic diseases. Last evaluated: 2026-06-10. Review status: criteria provided, single submitter. Criteria: Ambry Variant Classification Scheme 2023. Collection method: clinical testing. Allele origin: germline.

Labcorp Genetics (formerly Invitae), Labcorp
Classification: Uncertain significance. Last evaluated: 2023-07-31. Review status: criteria provided, single submitter. Criteria: Invitae Variant Classification Sherloc (09022015). Collection method: clinical testing. Allele origin: germline.
Comment: An algorithm developed to predict the effect of missense changes on protein structure and function (PolyPhen-2) suggests that this variant is likely to be disruptive. In summary, the available evidence is currently insufficient to determine the role of this variant in disease. Therefore, it has been classified as a Variant of Uncertain Significance. This variant is present in population databases (rs375119361, gnomAD 0.003%). This sequence change replaces aspartic acid, which is acidic and polar, with asparagine, which is neutral and polar, at codon 797 of the AP3D1 protein (p.Asp797Asn). This variant has not been reported in the literature in individuals affected with AP3D1-related conditions. ClinVar contains an entry for this variant (Variation ID: 1943367).

NM_001261826.3(AP3D1):c.2389G>A (p.Asp797Asn)

Gene: AP3D1 (adaptor related protein complex 3 subunit delta 1; minus strand). Cytogenetic location: 19p13.3.
Variant type: single nucleotide variant.
Coding change: c.2389G>A on transcript NM_001261826.3 (MANE Select); coding-DNA position 2389, G replaced by A.
Protein change: p.Asp797Asn; replaces aspartic acid 797 with asparagine.
Molecular consequence: missense variant.
Genome position (GRCh38, 1-based): chr19:2,114,782, C>T on the plus strand (G>A on the coding strand, the complement: AP3D1 is on the minus strand). VCF-style: chr19-2114782-C-T. GRCh37 (hg19) VCF-style: chr19-2114781-C-T.
Other names: c.2389G>A (NM_003938.5); c.2389G>A, p.Asp797Asn (NM_001374799.1, NM_003938.8); short protein forms D797N.
Identifiers: ClinVar variation 1943367 (VCV001943367.6), dbSNP rs375119361, ClinGen allele CA9058883.